The following is an entry in ClinVar:

NM_032043.3(BRIP1):c.1545A>C (p.Glu515Asp)

Gene: BRIP1 (BRCA1 interacting DNA helicase 1; minus strand). Cytogenetic location: 17q23.2.
Variant type: single nucleotide variant.
Coding change: c.1545A>C on transcript NM_032043.3 (MANE Select); coding-DNA position 1545, A replaced by C.
Protein change: p.Glu515Asp; replaces glutamic acid 515 with aspartic acid.
Molecular consequence: missense variant.
Genome position (GRCh38, 1-based): chr17:61,784,353, T>G on the plus strand (A>C on the coding strand, the complement: BRIP1 is on the minus strand). VCF-style: chr17-61784353-T-G. GRCh37 (hg19) VCF-style: chr17-59861714-T-G.
Other names: short protein forms E515D.
Identifiers: ClinVar variation 570550 (VCV000570550.15), dbSNP rs1567816977, ClinGen allele CA400481218.

ClinVar aggregate classification (germline): Uncertain significance. Review status: criteria provided, multiple submitters, no conflicts (2 of 4 stars). 2 submissions from 2 submitters: Uncertain significance (2). Last evaluated 2025-05-11.

Conditions:
Hereditary cancer-predisposing syndrome. Also called: Hereditary neoplastic syndrome; Neoplastic Syndromes, Hereditary; Hereditary Cancer Syndrome; Tumor predisposition. Identifiers: Orphanet 140162, MedGen C0027672, MeSH D009386, MONDO:0015356.
Fanconi anemia complementation group J. Also called: BRIP1-Related Fanconi Anemia. Identifiers: Orphanet 84, MedGen C1836860, MONDO:0012187, OMIM 609054.
Familial cancer of breast. Also called: BREAST CANCER, FAMILIAL; hereditary breast carcinoma; Hereditary breast cancer. Identifiers: Orphanet 227535, MedGen C0346153, MONDO:0016419, OMIM 114480. Disease mechanism: loss of function.

Submissions (2):

Ambry Genetics
Classification: Uncertain significance for Hereditary cancer-predisposing syndrome. Last evaluated: 2025-05-11. Review status: criteria provided, single submitter. Criteria: Ambry Variant Classification Scheme 2023. Collection method: clinical testing. Allele origin: germline.
Comment: The p.E515D variant (also known as c.1545A>C), located in coding exon 10 of the BRIP1 gene, results from an A to C substitution at nucleotide position 1545. The glutamic acid at codon 515 is replaced by aspartic acid, an amino acid with highly similar properties. This amino acid position is not well conserved in available vertebrate species. In addition, this alteration is predicted to be tolerated by in silico analysis. Since supporting evidence is limited at this time, the clinical significance of this alteration remains unclear.

Labcorp Genetics (formerly Invitae), Labcorp
Classification: Uncertain significance for Familial cancer of breast; Fanconi anemia complementation group J. Last evaluated: 2025-03-17. Review status: criteria provided, single submitter. Criteria: Invitae Variant Classification Sherloc (09022015). Collection method: clinical testing. Allele origin: germline.
Comment: This sequence change replaces glutamic acid, which is acidic and polar, with aspartic acid, which is acidic and polar, at codon 515 of the BRIP1 protein (p.Glu515Asp). This variant is not present in population databases (gnomAD no frequency). This variant has not been reported in the literature in individuals affected with BRIP1-related conditions. ClinVar contains an entry for this variant (Variation ID: 570550). Invitae Evidence Modeling of protein sequence and biophysical properties (such as structural, functional, and spatial information, amino acid conservation, physicochemical variation, residue mobility, and thermodynamic stability) indicates that this missense variant is not expected to disrupt BRIP1 protein function with a negative predictive value of 95%. In summary, the available evidence is currently insufficient to determine the role of this variant in disease. Therefore, it has been classified as a Variant of Uncertain Significance.